The following is an entry in ClinVar:

ClinVar aggregate classification (germline): Likely pathogenic (1 of 4 stars; one submission).

Conditions:
Joubert syndrome 21 (JBTS21). Identifiers: MedGen C3810212, MONDO:0014288, OMIM 615636.

Submission:

Labcorp Genetics (formerly Invitae), Labcorp
Classification: Likely pathogenic for Joubert syndrome 21. Last evaluated: 2021-07-18. Review status: criteria provided, single submitter. Criteria: Invitae Variant Classification Sherloc (09022015). Collection method: clinical testing. Allele origin: germline.
Comment: In summary, the currently available evidence indicates that the variant is pathogenic, but additional data are needed to prove that conclusively. Therefore, this variant has been classified as Likely Pathogenic. This variant has not been reported in the literature in individuals affected with CSPP1-related conditions. This variant results in a copy number gain of the genomic region encompassing exon(s) 8-19 of the CSPP1 gene. While the exact position of this variant cannot be determined from the data, sub-genic copy number gains are generally in tandem (PMID: 25640679). This variant is predicted to be out-of-frame, and may result in an absent or disrupted protein product. Loss-of-function variants in CSPP1 are known to be pathogenic (PMID: 24360807, 24360808).

Literature cited by the submitters: PubMed 25640679; PubMed 24360807; PubMed 24360808.

NC_000008.10:g.(?_68018120)_(68071392_?)dup

Gene: CSPP1 (centrosome and spindle pole associated protein 1; plus strand). Cytogenetic location: 8q13.2.
Variant type: Duplication.
Identifiers: ClinVar variation 1525031 (VCV001525031.4).